The following is an entry in ClinVar:

NM_013275.6(ANKRD11):c.6277G>C (p.Glu2093Gln)

Gene: ANKRD11 (ankyrin repeat domain containing 11; minus strand). Cytogenetic location: 16q24.3.
Variant type: single nucleotide variant.
Coding change: c.6277G>C on transcript NM_013275.6 (MANE Select); coding-DNA position 6277, G replaced by C.
Protein change: p.Glu2093Gln; replaces glutamic acid 2093 with glutamine.
Molecular consequence: missense variant.
Genome position (GRCh38, 1-based): chr16:89,280,265, C>G on the plus strand (G>C on the coding strand, the complement: ANKRD11 is on the minus strand). VCF-style: chr16-89280265-C-G. GRCh37 (hg19) VCF-style: chr16-89346673-C-G.
Other names: c.6277G>C, p.Glu2093Gln (NM_001256182.2, NM_001256183.2); short protein forms E2093Q.
Identifiers: ClinVar variation 3360346 (VCV003360346.1).

ClinVar aggregate classification (germline): Uncertain significance (1 of 4 stars; one submission).

Submission:

GeneDx
Classification: Uncertain significance. Last evaluated: 2023-06-27. Review status: criteria provided, single submitter. Criteria: GeneDx Variant Classification Process June 2021. Collection method: clinical testing. Allele origin: germline. Affected: yes.
Comment: Not observed at significant frequency in large population cohorts (gnomAD); In silico analysis supports that this missense variant does not alter protein structure/function; Has not been previously published as pathogenic or benign to our knowledge